The following is an entry in ClinVar:

NM_021956.5(GRIK2):c.2302A>G (p.Thr768Ala)

Gene: GRIK2 (glutamate ionotropic receptor kainate type subunit 2; plus strand). Cytogenetic location: 6q16.3.
Variant type: single nucleotide variant.
Coding change: c.2302A>G on transcript NM_021956.5 (MANE Select); coding-DNA position 2302, A replaced by G.
Protein change: p.Thr768Ala; replaces threonine 768 with alanine.
Molecular consequence: missense variant.
Genome position (GRCh38, 1-based): chr6:102,035,557, A>G. VCF-style: chr6-102035557-A-G. GRCh37 (hg19) VCF-style: chr6-102483432-A-G.
Other names: c.2302A>G, p.Thr768Ala (NM_001166247.1, NM_175768.3); short protein forms T768A.
Identifiers: ClinVar variation 4075633 (VCV004075633.1).

ClinVar aggregate classification (germline): Uncertain significance (1 of 4 stars; one submission).

Submission:

GeneDx
Classification: Uncertain significance. Last evaluated: 2025-02-17. Review status: criteria provided, single submitter. Criteria: GeneDx Variant Classification Process June 2021. Collection method: clinical testing. Allele origin: germline. Affected: yes.
Comment: Not observed at significant frequency in large population cohorts (gnomAD); In silico analysis supports that this missense variant has a deleterious effect on protein structure/function; Has not been previously published as pathogenic or benign to our knowledge